The following is an entry in ClinVar:

NC_000001.11:g.125066678G>C

Variant type: single nucleotide variant.
Genome position: GRCh38 VCF-style: chr1-125066678-G-C.
Identifiers: ClinVar variation 3905420 (VCV003905420.10).

ClinVar aggregate classification (germline): Likely benign (1 of 4 stars; one submission).

Submission:

CeGaT Center for Human Genetics Tuebingen
Classification: Likely benign. Last evaluated: 2026-01-01. Review status: criteria provided, single submitter. Criteria: CeGaT Center For Human Genetics Tuebingen Variant Classification Criteria Version 2. Collection method: clinical testing. Allele origin: germline. Affected: yes. Observed: 3 variant alleles.
Comment: FAM27A: PM2:Supporting, BP4, BP7